The following is an entry in ClinVar:

NM_001010909.5(MUC21):c.396C>T (p.Ala132=)

Gene: MUC21 (mucin 21, cell surface associated; plus strand). Cytogenetic location: 6p21.33.
Variant type: single nucleotide variant.
Coding change: c.396C>T on transcript NM_001010909.5 (MANE Select); coding-DNA position 396, C replaced by T.
Protein change: p.Ala132=; no amino-acid change (alanine 132 retained).
Molecular consequence: synonymous variant. On other transcripts: non-coding transcript variant (1).
Genome position (GRCh38, 1-based): chr6:30,986,571, C>T. VCF-style: chr6-30986571-C-T. GRCh37 (hg19) VCF-style: chr6-30954348-C-T.
Identifiers: ClinVar variation 3770496 (VCV003770496.13).

ClinVar aggregate classification (germline): Likely benign (1 of 4 stars; one submission).

Submission:

CeGaT Center for Human Genetics Tuebingen
Classification: Likely benign. Last evaluated: 2025-02-01. Review status: criteria provided, single submitter. Criteria: CeGaT Center For Human Genetics Tuebingen Variant Classification Criteria Version 2. Collection method: clinical testing. Allele origin: germline. Affected: yes. Observed: 2 variant alleles.
Comment: MUC21: BP4, BP7